The following is an entry in ClinVar:

ClinVar aggregate classification (germline): Uncertain significance (1 of 4 stars; one submission).

Allele frequency attached by ClinVar (database versions not stated): gnomAD exomes below 0.00001.
gnomAD v4.1: 3 of 1,608,418 alleles (0.00019%); highest among the groups gnomAD compares: Non-Finnish European, 0.00025%; no homozygotes.

Submission:

Labcorp Genetics (formerly Invitae), Labcorp
Classification: Uncertain significance. Last evaluated: 2021-02-17. Review status: criteria provided, single submitter. Criteria: Invitae Variant Classification Sherloc (09022015). Collection method: clinical testing. Allele origin: germline.
Comment: In summary, the available evidence is currently insufficient to determine the role of this variant in disease. Therefore, it has been classified as a Variant of Uncertain Significance. Algorithms developed to predict the effect of missense changes on protein structure and function (SIFT, PolyPhen-2, Align-GVGD) all suggest that this variant is likely to be tolerated, but these predictions have not been confirmed by published functional studies and their clinical significance is uncertain. This variant has not been reported in the literature in individuals with ADGRV1-related conditions. This variant is not present in population databases (ExAC no frequency). This sequence change replaces threonine with asparagine at codon 4814 of the ADGRV1 protein (p.Thr4814Asn). The threonine residue is moderately conserved and there is a small physicochemical difference between threonine and asparagine.

NM_032119.4(ADGRV1):c.14441C>A (p.Thr4814Asn)

Gene: ADGRV1 (adhesion G protein-coupled receptor V1; plus strand). Cytogenetic location: 5q14.3.
Variant type: single nucleotide variant.
Coding change: c.14441C>A on transcript NM_032119.4 (MANE Select); coding-DNA position 14441, C replaced by A.
Protein change: p.Thr4814Asn; replaces threonine 4814 with asparagine.
Molecular consequence: missense variant. On other transcripts: non-coding transcript variant (1).
Genome position (GRCh38, 1-based): chr5:90,791,270, C>A. VCF-style: chr5-90791270-C-A. GRCh37 (hg19) VCF-style: chr5-90087087-C-A.
Other names: short protein forms T4814N.
Identifiers: ClinVar variation 1511365 (VCV001511365.8), dbSNP rs1363619349, ClinGen allele CA360401960.